The following is an entry in ClinVar:

ClinVar aggregate classification (germline): Uncertain significance (1 of 4 stars; one submission).

gnomAD v4.1: 3 of 1,613,424 alleles (0.00019%); highest among the groups gnomAD compares: Non-Finnish European, 0.00017%; no homozygotes.

Submission:

Ambry Genetics
Classification: Uncertain significance. Last evaluated: 2025-07-29. Review status: criteria provided, single submitter. Criteria: Ambry Variant Classification Scheme 2023. Collection method: clinical testing. Allele origin: germline.
Comment: The p.P845S variant (also known as c.2533C>T), located in coding exon 17 of the MYOM1 gene, results from a C to T substitution at nucleotide position 2533. The proline at codon 845 is replaced by serine, an amino acid with similar properties. This amino acid position is conserved. In addition, this alteration is predicted to be tolerated by in silico analysis. Based on the available evidence, the clinical significance of this variant remains unclear.

NM_003803.4(MYOM1):c.2533C>T (p.Pro845Ser)

Gene: MYOM1 (myomesin 1; minus strand). Cytogenetic location: 18p11.31.
Variant type: single nucleotide variant.
Coding change: c.2533C>T on transcript NM_003803.4 (MANE Select); coding-DNA position 2533, C replaced by T.
Protein change: p.Pro845Ser; replaces proline 845 with serine.
Molecular consequence: missense variant. On other transcripts: intron variant (1).
Genome position (GRCh38, 1-based): chr18:3,129,493, G>A on the plus strand (C>T on the coding strand, the complement: MYOM1 is on the minus strand). VCF-style: chr18-3129493-G-A. GRCh37 (hg19) VCF-style: chr18-3129491-G-A.
Other names: c.2506+1882C>T (NM_019856.2); short protein forms P845S.
Identifiers: ClinVar variation 4115978 (VCV004115978.1).